The following is an entry in ClinVar:

ClinVar aggregate classification (germline): Uncertain significance. Review status: criteria provided, multiple submitters, no conflicts (2 of 4 stars). 4 submissions from 4 submitters: Uncertain significance (4). Last evaluated 2025-11-03.

Conditions:
Inborn genetic diseases. Identifiers: MedGen C0950123, MeSH D030342.
Donnai-Barrow syndrome. Also called: DBS/FOAR SYNDROME; FACIOOCULOACOUSTICORENAL SYNDROME. Identifiers: Orphanet 2143, MedGen C1857277, MONDO:0009104, OMIM 222448.

Allele frequency attached by ClinVar (database versions not stated): ExAC 0.00002; gnomAD 0.00002 and 0.00001; gnomAD exomes 0.00003; TOPMed 0.00003; ESP Exome Variant Server 0.00008; 1000 Genomes Project 30x 0.00016; 1000 Genomes Project 0.00020.
gnomAD v4.1: 13 of 1,613,504 alleles (0.00081%); highest among the groups gnomAD compares: East Asian, 0.0067%; no homozygotes.

Submissions (4):

Ambry Genetics
Classification: Uncertain significance for Inborn genetic diseases. Last evaluated: 2025-11-03. Review status: criteria provided, single submitter. Criteria: Ambry Variant Classification Scheme 2023. Collection method: clinical testing. Allele origin: germline.

Fulgent Genetics
Classification: Uncertain significance for Donnai-Barrow syndrome. Last evaluated: 2024-05-15. Review status: criteria provided, single submitter. Criteria: ACMG Guidelines, 2015. Collection method: clinical testing. Allele origin: germline.

Labcorp Genetics (formerly Invitae), Labcorp
Classification: Uncertain significance. Last evaluated: 2022-03-06. Review status: criteria provided, single submitter. Criteria: Invitae Variant Classification Sherloc (09022015). Collection method: clinical testing. Allele origin: germline.
Comment: This sequence change replaces threonine, which is neutral and polar, with methionine, which is neutral and non-polar, at codon 2581 of the LRP2 protein (p.Thr2581Met). This variant is present in population databases (rs372305097, gnomAD 0.02%). This variant has not been reported in the literature in individuals affected with LRP2-related conditions. ClinVar contains an entry for this variant (Variation ID: 129538). Algorithms developed to predict the effect of missense changes on protein structure and function output the following: SIFT: "Deleterious"; PolyPhen-2: "Possibly Damaging"; Align-GVGD: "Class C0". The methionine amino acid residue is found in multiple mammalian species, which suggests that this missense change does not adversely affect protein function. In summary, the available evidence is currently insufficient to determine the role of this variant in disease. Therefore, it has been classified as a Variant of Uncertain Significance.

Genetic Services Laboratory, University of Chicago
Classification: Uncertain significance. Last evaluated: 2014-03-24. Review status: criteria provided, single submitter. Criteria: ACMG Guidelines, 2007. Collection method: clinical testing. Allele origin: germline. Inheritance: Autosomal recessive inheritance.

NM_004525.3(LRP2):c.7742C>T (p.Thr2581Met)

Gene: LRP2 (LDL receptor related protein 2; minus strand). Cytogenetic location: 2q31.1.
Variant type: single nucleotide variant.
Coding change: c.7742C>T on transcript NM_004525.3 (MANE Select); coding-DNA position 7742, C replaced by T.
Protein change: p.Thr2581Met; replaces threonine 2581 with methionine.
Molecular consequence: missense variant.
Genome position (GRCh38, 1-based): chr2:169,204,245, G>A on the plus strand (C>T on the coding strand, the complement: LRP2 is on the minus strand). VCF-style: chr2-169204245-G-A. GRCh37 (hg19) VCF-style: chr2-170060755-G-A.
Other names: short protein forms T2581M.
Identifiers: ClinVar variation 129538 (VCV000129538.9), dbSNP rs372305097, ClinGen allele CA231257.